The following is an entry in ClinVar:

NM_000264.5(PTCH1):c.3441_3444del (p.Phe1147fs)

Gene: PTCH1 (patched 1; minus strand). Cytogenetic location: 9q22.32.
Variant type: Deletion.
Coding change: c.3441_3444del on transcript NM_000264.5 (MANE Select); coding-DNA positions 3441 to 3444, 4 bases deleted (CATT; older notation c.3441_3444delCATT).
Protein change: p.Phe1147fs; shifts the reading frame from phenylalanine 1147.
Molecular consequence: frameshift variant. On other transcripts: non-coding transcript variant (1).
Genome position (GRCh38, 1-based): chr9:95,453,483-95,453,486, AATG deleted on the plus strand (CATT on the coding strand, the reverse complement: PTCH1 is on the minus strand); deleting any 4 consecutive bases within chr9:95,453,483-95,453,488 gives the same sequence; the c. name uses the placement nearest the transcript's 3' end. VCF-style (leftmost placement, unchanged base first): chr9-95453482-CAATG-C. GRCh37 (hg19) VCF-style: chr9-98215764-CAATG-C.
Other names: c.3243_3246del, p.Phe1081fs (NM_001083602.3); c.3438_3441del, p.Phe1146fs (NM_001083603.3); c.2988_2991del, p.Phe996fs (NM_001083604.3, NM_001083605.3, NM_001083606.3 and 1 more transcripts); c.3285_3288del, p.Phe1095fs (NM_001354918.2); short protein forms F1081fs, F1095fs, F1146fs, F1147fs, F996fs.
Identifiers: ClinVar variation 1072031 (VCV001072031.10), dbSNP rs2136630846, ClinGen allele CA2499220028.

ClinVar aggregate classification (germline): Pathogenic (1 of 4 stars; one submission).

Conditions:
Gorlin syndrome. Also called: Nevoid Basal Cell Carcinoma Syndrome; Basal cell nevus syndrome. Identifiers: Orphanet 377, MedGen C0004779, MONDO:0007187.

Submission:

Labcorp Genetics (formerly Invitae), Labcorp
Classification: Pathogenic for Gorlin syndrome. Last evaluated: 2020-02-05. Review status: criteria provided, single submitter. Criteria: Invitae Variant Classification Sherloc (09022015). Collection method: clinical testing. Allele origin: germline.
Comment: For these reasons, this variant has been classified as Pathogenic. Loss-of-function variants in PTCH1 are known to be pathogenic (PMID: 16301862, 16419085). This variant has not been reported in the literature in individuals with PTCH1-related conditions. This variant is not present in population databases (ExAC no frequency). This sequence change creates a premature translational stop signal (p.Phe1147Leufs*43) in the PTCH1 gene. It is expected to result in an absent or disrupted protein product.

Literature cited by the submitters: PubMed 16301862; PubMed 16419085.